The following is an entry in ClinVar:

NM_021728.4(OTX2):c.549T>G (p.Tyr183Ter)

Gene: OTX2 (orthodenticle homeobox 2; minus strand). Cytogenetic location: 14q22.3.
Variant type: single nucleotide variant.
Coding change: c.549T>G on transcript NM_021728.4 (MANE Select); coding-DNA position 549, T replaced by G.
Protein change: p.Tyr183Ter; replaces tyrosine 183 with a stop codon.
Molecular consequence: nonsense. On other transcripts: non-coding transcript variant (2).
Genome position (GRCh38, 1-based): chr14:56,802,080, A>C on the plus strand (T>G on the coding strand, the complement: OTX2 is on the minus strand). VCF-style: chr14-56802080-A-C. GRCh37 (hg19) VCF-style: chr14-57268798-A-C.
Other names: c.525T>G, p.Tyr175Ter (NM_001270523.2, NM_001270524.2, NM_172337.3); c.549T>G, p.Tyr183Ter (NM_001270525.2); short protein forms Y175*, Y183*.
Identifiers: ClinVar variation 1710330 (VCV001710330.1), dbSNP rs2503896318, ClinGen allele CA390051627.

ClinVar aggregate classification (germline): Pathogenic (1 of 4 stars; one submission).

Conditions:
Anophthalmia. Identifiers: MedGen C0003119, HP:0000528. Disease mechanism: loss of function. Inheritance: Mendelian inheritance.

Submission:

Genetics Department, University Hospital of Toulouse
Classification: Pathogenic for Anophthalmia. Last evaluated: 2022-10-15. Review status: criteria provided, single submitter. Criteria: ACMG Guidelines, 2015. Collection method: clinical testing. Allele origin: germline. Affected: yes.
Comment: P (PSVS1, PS2, PM2)